The following is an entry in ClinVar:

NM_000153.4(GALC):c.11G>A (p.Trp4Ter)

Gene: GALC (galactosylceramidase; minus strand). Cytogenetic location: 14q31.3.
Variant type: single nucleotide variant.
Coding change: c.11G>A on transcript NM_000153.4 (MANE Select); coding-DNA position 11, G replaced by A.
Protein change: p.Trp4Ter; replaces tryptophan 4 with a stop codon.
Molecular consequence: nonsense. On other transcripts: 5 prime UTR variant (3), non-coding transcript variant (1), intron variant (2).
Genome position (GRCh38, 1-based): chr14:87,993,154, C>T on the plus strand (G>A on the coding strand, the complement: GALC is on the minus strand). VCF-style: chr14-87993154-C-T. GRCh37 (hg19) VCF-style: chr14-88459498-C-T.
Other names: c.11G>A, p.Trp4Ter (NM_001201401.2); c.-260G>A (NM_001424072.1); c.-426G>A (NM_001424075.1); c.-657G>A (NM_001424077.1); c.-473+229G>A (NM_001424076.1); c.117+229G>A (NM_001201402.2); short protein forms W4*.
Identifiers: ClinVar variation 2746127 (VCV002746127.3), dbSNP rs2503550047, ClinGen allele CA390772160.

ClinVar aggregate classification (germline): Pathogenic (1 of 4 stars; one submission).

Conditions:
Galactosylceramide beta-galactosidase deficiency. Also called: Leukodystrophy, Globoid Cell; Krabbe Disease; GALACTOCEREBROSIDASE DEFICIENCY; GALC DEFICIENCY; GLOBOID CELL LEUKOENCEPHALOPATHY. Identifiers: Orphanet 487, MedGen C0023521, MONDO:0009499, OMIM 245200.

gnomAD v4.1: 1 of 1,591,368 alleles (0.000063%); highest among the groups gnomAD compares: Non-Finnish European, 0.000086%; no homozygotes.

Submission:

Labcorp Genetics (formerly Invitae), Labcorp
Classification: Pathogenic for Galactosylceramide beta-galactosidase deficiency. Last evaluated: 2024-02-16. Review status: criteria provided, single submitter. Criteria: Invitae Variant Classification Sherloc (09022015). Collection method: clinical testing. Allele origin: germline.
Comment: This sequence change creates a premature translational stop signal (p.Trp4*) in the GALC gene. It is expected to result in an absent or disrupted protein product. Loss-of-function variants in GALC are known to be pathogenic (PMID: 7437911, 9272171, 16607461). This variant is not present in population databases (gnomAD no frequency). This variant has not been reported in the literature in individuals affected with GALC-related conditions. For these reasons, this variant has been classified as Pathogenic.

Literature cited by the submitters: PubMed 7437911; PubMed 9272171; PubMed 16607461.